The following is an entry in ClinVar:

ClinVar aggregate classification (germline): Uncertain significance (1 of 4 stars; one submission).

Conditions:
Retinitis pigmentosa 59 (RP59). Identifiers: Orphanet 791, MedGen C3151227, MONDO:0013468, OMIM 613861.

gnomAD v4.1: 2 of 1,613,944 alleles (0.00012%); highest among the groups gnomAD compares: Non-Finnish European, 0.00017%; no homozygotes.

Submission:

Labcorp Genetics (formerly Invitae), Labcorp
Classification: Uncertain significance for Retinitis pigmentosa 59. Last evaluated: 2025-04-20. Review status: criteria provided, single submitter. Criteria: Invitae Variant Classification Sherloc (09022015). Collection method: clinical testing. Allele origin: germline.
Comment: This sequence change replaces glutamic acid, which is acidic and polar, with lysine, which is basic and polar, at codon 308 of the DHDDS protein (p.Glu308Lys). This variant is not present in population databases (gnomAD no frequency). This variant has not been reported in the literature in individuals affected with DHDDS-related conditions. An algorithm developed to predict the effect of missense changes on protein structure and function (PolyPhen-2) suggests that this variant is likely to be tolerated. In summary, the available evidence is currently insufficient to determine the role of this variant in disease. Therefore, it has been classified as a Variant of Uncertain Significance.

NM_205861.3(DHDDS):c.919G>A (p.Glu307Lys)

Gene: DHDDS (dehydrodolichyl diphosphate synthase subunit; plus strand). Cytogenetic location: 1p36.11.
Variant type: single nucleotide variant.
Coding change: c.919G>A on transcript NM_205861.3 (MANE Select); coding-DNA position 919, G replaced by A.
Protein change: p.Glu307Lys; replaces glutamic acid 307 with lysine.
Molecular consequence: missense variant.
Genome position (GRCh38, 1-based): chr1:26,469,048, G>A. VCF-style: chr1-26469048-G-A. GRCh37 (hg19) VCF-style: chr1-26795539-G-A.
Other names: c.817G>A, p.Glu273Lys (NM_001243564.2); c.802G>A, p.Glu268Lys (NM_001243565.2); c.640G>A, p.Glu214Lys (NM_001319959.2); c.922G>A, p.Glu308Lys (NM_024887.4); short protein forms E307K, E214K, E268K, E273K, E308K.
Identifiers: ClinVar variation 4717952 (VCV004717952.1).